The following is an entry in ClinVar:

NM_006393.3(NEBL):c.2363A>G (p.Asp788Gly)

Gene: NEBL (nebulette; minus strand). Cytogenetic location: 10p12.31.
Variant type: single nucleotide variant.
Coding change: c.2363A>G on transcript NM_006393.3 (MANE Select); coding-DNA position 2363, A replaced by G.
Protein change: p.Asp788Gly; replaces aspartic acid 788 with glycine.
Molecular consequence: missense variant.
Genome position (GRCh38, 1-based): chr10:20,812,924, T>C on the plus strand (A>G on the coding strand, the complement: NEBL is on the minus strand). VCF-style: chr10-20812924-T-C. GRCh37 (hg19) VCF-style: chr10-21101853-T-C.
Other names: c.374A>G, p.Asp125Gly (NM_001173484.2, NM_001377322.1, NM_213569.2); c.326A>G, p.Asp109Gly (NM_001377323.1); c.317A>G, p.Asp106Gly (NM_001377324.1); c.308A>G, p.Asp103Gly (NM_001377325.1); c.266A>G, p.Asp89Gly (NM_001377326.1, NM_001377327.1, NM_001377328.1); short protein forms D109G, D125G, D788G, D106G, D89G, D103G.
Identifiers: ClinVar variation 1944848 (VCV001944848.5), dbSNP rs1441243584, ClinGen allele CA376093506.

ClinVar aggregate classification (germline): Uncertain significance (1 of 4 stars; one submission).

Conditions:
Primary dilated cardiomyopathy (DCM). Also called: Dilated Cardiomyopathy. Identifiers: Orphanet 217604, MedGen C0007193, MeSH D002311, MONDO:0005021, HP:0001644. Inheritance: Various modes of inheritance.

Allele frequency attached by ClinVar (database versions not stated): gnomAD 0.00001; TOPMed 0.00001; gnomAD exomes 0.00003.
gnomAD v4.1: 41 of 1,613,760 alleles (0.0025%); highest among the groups gnomAD compares: Non-Finnish European, 0.0035%; no homozygotes.

Submission:

Labcorp Genetics (formerly Invitae), Labcorp
Classification: Uncertain significance for Primary dilated cardiomyopathy. Last evaluated: 2025-10-09. Review status: criteria provided, single submitter. Criteria: Invitae Variant Classification Sherloc (09022015). Collection method: clinical testing. Allele origin: germline.
Comment: This sequence change replaces aspartic acid, which is acidic and polar, with glycine, which is neutral and non-polar, at codon 788 of the NEBL protein (p.Asp788Gly). This variant is not present in population databases (gnomAD no frequency). This variant has not been reported in the literature in individuals affected with NEBL-related conditions. ClinVar contains an entry for this variant (Variation ID: 1944848). An algorithm developed to predict the effect of missense changes on protein structure and function (PolyPhen-2) suggests that this variant is likely to be disruptive. In summary, the available evidence is currently insufficient to determine the role of this variant in disease. Therefore, it has been classified as a Variant of Uncertain Significance.